The following is an entry in ClinVar:

NM_001018115.3(FANCD2):c.695+19A>G

Genes: FANCD2 (FA complementation group D2; plus strand), LOC107303338 (3p25 FANCD2 Alu-mediated recombination region; plus strand). Cytogenetic location: 3p25.3.
Variant type: single nucleotide variant.
Coding change: c.695+19A>G on transcript NM_001018115.3 (MANE Select); 19 bases into the intron after coding-DNA position 695, A replaced by G.
Molecular consequence: intron variant.
Genome position (GRCh38, 1-based): chr3:10,039,864, A>G. VCF-style: chr3-10039864-A-G. GRCh37 (hg19) VCF-style: chr3-10081548-A-G.
Other names: c.695+19A>G (NM_001319984.2, NM_001374253.1, NM_033084.6 and 2 more transcripts).
Identifiers: ClinVar variation 1588069 (VCV001588069.16), dbSNP rs369890094, ClinGen allele CA2249302.

ClinVar aggregate classification (germline): Likely benign. Review status: criteria provided, multiple submitters, no conflicts (2 of 4 stars). 3 submissions from 3 submitters: Likely benign (3). Last evaluated 2025-12-08.

Conditions:
Fanconi anemia (FA). Also called: Fanconi's anemia. Identifiers: Orphanet 84, MedGen C0015625, MeSH D005199, MONDO:0019391.
Fanconi anemia complementation group D2. Also called: FANCD2-Related Fanconi Anemia; FANCONI PANCYTOPENIA, TYPE 4; FANCONI ANEMIA, COMPLEMENTATION GROUP D. Identifiers: Orphanet 84, MedGen C3160738, MONDO:0009214, OMIM 227646.

Allele frequency attached by ClinVar (database versions not stated): TOPMed 0.00001; ExAC 0.00003; gnomAD 0.00003 and 0.00004; gnomAD exomes 0.00003 and 0.00012; ESP Exome Variant Server 0.00008.
gnomAD v4.1: 184 of 1,613,802 alleles (0.011%); highest among the groups gnomAD compares: Non-Finnish European, 0.015%; no homozygotes.

Submissions (3):

Labcorp Genetics (formerly Invitae), Labcorp
Classification: Likely benign for Fanconi anemia. Last evaluated: 2025-12-08. Review status: criteria provided, single submitter. Criteria: Invitae Variant Classification Sherloc (09022015). Collection method: clinical testing. Allele origin: germline.

CeGaT Center for Human Genetics Tuebingen
Classification: Likely benign. Last evaluated: 2025-03-01. Review status: criteria provided, single submitter. Criteria: CeGaT Center For Human Genetics Tuebingen Variant Classification Criteria Version 2. Collection method: clinical testing. Allele origin: germline. Affected: yes. Observed: 1 variant allele.
Comment: FANCD2: BP4, BP7

Fulgent Genetics
Classification: Likely benign for Fanconi anemia complementation group D2. Last evaluated: 2022-02-18. Review status: criteria provided, single submitter. Criteria: ACMG Guidelines, 2015. Collection method: clinical testing. Allele origin: unknown.